The following is an entry in ClinVar:

NM_000548.5(TSC2):c.4422A>T (p.Arg1474Ser)

Gene: TSC2 (TSC complex subunit 2; plus strand). Cytogenetic location: 16p13.3.
Variant type: single nucleotide variant.
Coding change: c.4422A>T on transcript NM_000548.5 (MANE Select); coding-DNA position 4422, A replaced by T.
Protein change: p.Arg1474Ser; replaces arginine 1474 with serine.
Molecular consequence: missense variant.
Genome position (GRCh38, 1-based): chr16:2,084,644, A>T. VCF-style: chr16-2084644-A-T. GRCh37 (hg19) VCF-style: chr16-2134645-A-T.
Other names: c.4221A>T, p.Arg1407Ser (NM_001077183.3); c.4353A>T, p.Arg1451Ser (NM_001114382.3); c.4113A>T, p.Arg1371Ser (NM_001318827.2); c.4077A>T, p.Arg1359Ser (NM_001318829.2); c.3690A>T, p.Arg1230Ser (NM_001318831.2); c.4254A>T, p.Arg1418Ser (NM_001318832.2); c.4224A>T, p.Arg1408Ser (NM_001363528.2); c.4290A>T, p.Arg1430Ser (NM_001370404.1); and 2 more; short protein forms R1359S, R1431S, R1371S, R1230S, R1418S, R1430S, R1451S, R1407S.
Identifiers: ClinVar variation 1484215 (VCV001484215.9), dbSNP rs754169255, ClinGen allele CA394302163.

ClinVar aggregate classification (germline): Uncertain significance. Review status: criteria provided, multiple submitters, no conflicts (2 of 4 stars). 2 submissions from 2 submitters: Uncertain significance (2). Last evaluated 2025-11-05.

Conditions:
Tuberous sclerosis 2 (TSC2). Identifiers: Orphanet 805, MedGen C1860707, MONDO:0013199, OMIM 613254.

Submissions (2):

Labcorp Genetics (formerly Invitae), Labcorp
Classification: Uncertain significance for Tuberous sclerosis 2. Last evaluated: 2025-11-05. Review status: criteria provided, single submitter. Criteria: Invitae Variant Classification Sherloc (09022015). Collection method: clinical testing. Allele origin: germline.
Comment: This sequence change replaces arginine, which is basic and polar, with serine, which is neutral and polar, at codon 1474 of the TSC2 protein (p.Arg1474Ser). This variant is not present in population databases (gnomAD no frequency). This variant has not been reported in the literature in individuals affected with TSC2-related conditions. ClinVar contains an entry for this variant (Variation ID: 1484215). Invitae Evidence Modeling of protein sequence and biophysical properties (such as structural, functional, and spatial information, amino acid conservation, physicochemical variation, residue mobility, and thermodynamic stability) indicates that this missense variant is not expected to disrupt TSC2 protein function with a negative predictive value of 95%. In summary, the available evidence is currently insufficient to determine the role of this variant in disease. Therefore, it has been classified as a Variant of Uncertain Significance.

GeneDx
Classification: Uncertain significance. Last evaluated: 2023-12-14. Review status: criteria provided, single submitter. Criteria: GeneDx Variant Classification Process June 2021. Collection method: clinical testing. Allele origin: germline. Affected: yes.
Comment: Not observed at significant frequency in large population cohorts (gnomAD); In silico analysis supports that this missense variant does not alter protein structure/function; Has not been previously published as pathogenic or benign to our knowledge